The following is an entry in ClinVar:

ClinVar aggregate classification (germline): Pathogenic (1 of 4 stars; one submission).

Conditions:
Growth delay due to insulin-like growth factor I resistance. Also called: Somatomedin end-organ insensitivity to; Somatomedin-c resistance to; IGF-1 resistance; IGF-I RESISTANCE; Insulin-Like Growth Factor I Resistance. Identifiers: Orphanet 73273, MedGen C1849157, MONDO:0010038, OMIM 270450.

Submission:

Institute of Human Genetics, University of Leipzig Medical Center
Classification: Pathogenic for Growth delay due to insulin-like growth factor I resistance. Last evaluated: 2026-04-15. Review status: criteria provided, single submitter. Criteria: ACMG Guidelines, 2015. Collection method: clinical testing. Allele origin: unknown. Inheritance: Autosomal dominant inheritance. Affected: yes.
Comment: Criteria applied: PVS1,PS4_MOD,PM2

NM_000875.5(IGF1R):c.2629C>T (p.Arg877Ter)

Gene: IGF1R (insulin like growth factor 1 receptor; plus strand). Cytogenetic location: 15q26.3.
Variant type: single nucleotide variant.
Coding change: c.2629C>T on transcript NM_000875.5 (MANE Select); coding-DNA position 2629, C replaced by T.
Protein change: p.Arg877Ter; replaces arginine 877 with a stop codon.
Molecular consequence: nonsense.
Genome position (GRCh38, 1-based): chr15:98,924,531, C>T. VCF-style: chr15-98924531-C-T. GRCh37 (hg19) VCF-style: chr15-99467760-C-T.
Other names: c.2629C>T, p.Arg877Ter (NM_001291858.2); short protein forms R877*.
Identifiers: ClinVar variation 4857445 (VCV004857445.1).